The following is an entry in ClinVar:

NM_000540.3(RYR1):c.14804-2A>G

Gene: RYR1 (ryanodine receptor 1; plus strand). Cytogenetic location: 19q13.2.
Variant type: single nucleotide variant.
Coding change: c.14804-2A>G on transcript NM_000540.3 (MANE Select); the canonical splice acceptor site of the intron before coding-DNA position 14804, A replaced by G.
Molecular consequence: splice acceptor variant.
Genome position (GRCh38, 1-based): chr19:38,585,936, A>G. VCF-style: chr19-38585936-A-G. GRCh37 (hg19) VCF-style: chr19-39076576-A-G.
Other names: c.14789-2A>G (NM_001042723.2).
Identifiers: ClinVar variation 3072689 (VCV003072689.1), dbSNP rs2514778591, ClinGen allele CA405692114.

ClinVar aggregate classification (germline): Uncertain significance (1 of 4 stars; one submission).

Conditions:
Malignant hyperthermia, susceptibility to, 1 (MHS1). Also called: Anesthesia related hyperthermia; Malignant hyperpyrexia; Fulminating hyperpyrexia; Pharmacogenic myopathy; RYR1-Related Malignant Hyperthermia Susceptibility; Malignant hyperthermia suceptibility 1. Identifiers: Orphanet 423, MedGen C2930980, MONDO:0007783, OMIM 145600.

Allele frequency attached by ClinVar (database versions not stated): gnomAD exomes below 0.00001.
gnomAD v4.1: 1 of 1,614,058 alleles (0.000062%); highest among the groups gnomAD compares: Non-Finnish European, 0.000085%; no homozygotes.

Submission:

All of Us Research Program, National Institutes of Health
Classification: Uncertain significance for Malignant hyperthermia, susceptibility to, 1. Last evaluated: 2023-08-15. Review status: criteria provided, single submitter. Criteria: ACMG Guidelines, 2015. Collection method: clinical testing. Allele origin: germline. Inheritance: Autosomal dominant inheritance. Observed: 1 variant allele, 1 heterozygote.
Comment: This variant causes an A to G nucleotide substitution at the -2 position of intron 102 of the RYR1 gene. Splice prediction tools indicate that this variant may disrupt RNA splicing. To our knowledge, functional studies have not been reported for this variant. This variant has not been reported in individuals affected with RYR1-related disorders in the literature. This variant has not been identified in the general population by the Genome Aggregation Database (gnomAD). The available evidence is insufficient to determine the role of this variant in disease conclusively. Therefore, this variant is classified as a Variant of Uncertain Significance.

This study involves interpretation of variants in research participants for the purpose of population health screening. Participant phenotype was not available at the time of variant classification. Additional details can be found in publication PMID: 35346344, PMCID: PMC8962531